The following is an entry in ClinVar:

ClinVar aggregate classification (germline): Likely benign (1 of 4 stars; one submission).

Submission:

CeGaT Center for Human Genetics Tuebingen
Classification: Likely benign. Last evaluated: 2026-04-01. Review status: criteria provided, single submitter. Criteria: CeGaT Center For Human Genetics Tuebingen Variant Classification Criteria Version 2. Collection method: clinical testing. Allele origin: germline. Affected: yes. Observed: 1 variant allele.
Comment: KNL1: PM2:Supporting, BP4, BP7

NM_144508.5(KNL1):c.250+578A>G

Gene: KNL1 (kinetochore scaffold 1; plus strand). Cytogenetic location: 15q15.1.
Variant type: single nucleotide variant.
Coding change: c.250+578A>G on transcript NM_144508.5 (MANE Select); 578 bases into the intron after coding-DNA position 250, A replaced by G.
Molecular consequence: intron variant. On other transcripts: synonymous variant (1).
Genome position (GRCh38, 1-based): chr15:40,610,875, A>G. VCF-style: chr15-40610875-A-G. GRCh37 (hg19) VCF-style: chr15-40903073-A-G.
Other names: c.327A>G, p.Pro109= (NM_170589.5).
Identifiers: ClinVar variation 4873100 (VCV004873100.2).